The following is an entry in ClinVar:

ClinVar aggregate classification (germline): Likely pathogenic (1 of 4 stars; one submission).

Conditions:
Fabry disease. Also called: Fabry's disease; ALPHA-GALACTOSIDASE A DEFICIENCY; ANDERSON-FABRY DISEASE; CERAMIDE TRIHEXOSIDASE DEFICIENCY; GLA DEFICIENCY; HEREDITARY DYSTOPIC LIPIDOSIS. Identifiers: Orphanet 324, MedGen C0002986, MONDO:0010526, OMIM 301500, HP:0001071. Disease mechanism: Fabry disease is due to inactivating mutations in the X-linked GLA gene resulting in deficiency of the enzyme Alpha Galactosidase-A., loss of function.

Submission:

Genomenon, Inc
Classification: Likely pathogenic for Fabry disease. Last evaluated: 2025-09-15. Review status: criteria provided, single submitter. Criteria: Genomenon Sequence Variant Interpretation Standards. Collection method: curation. Allele origin: germline. Affected: yes.
Comment: GLA p.Asn379_Cys382dup (c.1134_1145dup) is an in-frame duplication variant that results in the duplication of multiple amino acids, from Asparagine at position 379 to Cysteine at position 382. This variant has been observed in at least one proband affected with Fabry disease (PMID: 22551898). At least one functional study has demonstrated a substantial alteration in protein function relative to the wild-type (PMID: 27657681). It is absent or not present at a significant frequency in gnomAD. In conclusion, we classify GLA p.Asn379_Cys382dup (c.1134_1145dup) as a likely pathogenic variant.

Literature cited by the submitters: PubMed 22551898; PubMed 27657681.

NM_000169.3(GLA):c.1134_1145dup (p.Cys382_Phe383insAsnProAlaCys)

Genes: GLA (galactosidase alpha; minus strand), RPL36A-HNRNPH2 (RPL36A-HNRNPH2 readthrough; plus strand). Cytogenetic location: Xq22.1.
Variant type: Duplication.
Coding change: c.1134_1145dup on transcript NM_000169.3 (MANE Select); coding-DNA positions 1134 to 1145, 12 bases duplicated (TAATCCTGCCTG).
Protein change: p.Cys382_Phe383insAsnProAlaCys.
Molecular consequence: inframe insertion. On other transcripts: non-coding transcript variant (3), intron variant (2).
Genome position (GRCh38, 1-based): chrX:101,397,954-101,397,965, CAGGCAGGATTA duplicated on the plus strand (TAATCCTGCCTG on the coding strand, the reverse complement: GLA is on the minus strand); duplicating any 12 consecutive bases within chrX:101,397,954-101,397,970 gives the same sequence; the c. name uses the placement nearest the transcript's 3' end. VCF-style (leftmost placement, unchanged base first): chrX-101397953-G-GCAGGCAGGATTA. GRCh37 (hg19) VCF-style: chrX-100652941-G-GCAGGCAGGATTA.
Other names: c.1257_1268dup, p.Cys423_Phe424insAsnProAlaCys (NM_001406747.1); c.300+2502_300+2513dup (NM_001199973.2); c.177+6137_177+6148dup (NM_001199974.2).
Identifiers: ClinVar variation 4087239 (VCV004087239.1).